The following is an entry in ClinVar:

NM_004064.5(CDKN1B):c.178dup (p.Trp60fs)

Gene: CDKN1B (cyclin dependent kinase inhibitor 1B; plus strand). Cytogenetic location: 12p13.1.
Variant type: Duplication.
Coding change: c.178dup on transcript NM_004064.5 (MANE Select); coding-DNA position 178, one base duplicated (T; older notation c.178dupT).
Protein change: p.Trp60fs; shifts the reading frame from tryptophan 60.
Molecular consequence: frameshift variant.
Genome position (GRCh38, 1-based): chr12:12,718,017, T duplicated. VCF-style (leftmost placement, unchanged base first): chr12-12718016-G-GT. GRCh37 (hg19) VCF-style: chr12-12870950-G-GT.
Other names: short protein forms W60fs.
Identifiers: ClinVar variation 820078 (VCV000820078.4), dbSNP rs1592280877, ClinGen allele CA915947918.

ClinVar aggregate classification (germline): Pathogenic (1 of 4 stars; one submission).

Conditions:
Hereditary cancer-predisposing syndrome. Also called: Neoplastic Syndromes, Hereditary; Tumor predisposition; Hereditary Cancer Syndrome; Hereditary neoplastic syndrome. Identifiers: Orphanet 140162, MedGen C0027672, MeSH D009386, MONDO:0015356.

Submission:

Ambry Genetics
Classification: Pathogenic for Hereditary cancer-predisposing syndrome. Last evaluated: 2018-11-15. Review status: criteria provided, single submitter. Criteria: Ambry Variant Classification Scheme 2023. Collection method: clinical testing. Allele origin: germline.
Comment: The c.178dupT pathogenic mutation, located in coding exon 1 of the CDKN1B gene, results from a duplication of T at nucleotide position 178, causing a translational frameshift with a predicted alternate stop codon (p.W60Lfs*65). This alteration is expected to result in loss of function by premature protein truncation or nonsense-mediated mRNA decay. As such, this alteration is interpreted as a disease-causing mutation.